The following is an entry in ClinVar:

NM_000088.4(COL1A1):c.4041T>C (p.Asp1347=)

Gene: COL1A1 (collagen type I alpha 1 chain; minus strand). Cytogenetic location: 17q21.33.
Variant type: single nucleotide variant.
Coding change: c.4041T>C on transcript NM_000088.4 (MANE Select); coding-DNA position 4041, T replaced by C.
Protein change: p.Asp1347=; no amino-acid change (aspartic acid 1347 retained).
Molecular consequence: synonymous variant.
Genome position (GRCh38, 1-based): chr17:50,185,985, A>G on the plus strand (T>C on the coding strand, the complement: COL1A1 is on the minus strand). VCF-style: chr17-50185985-A-G. GRCh37 (hg19) VCF-style: chr17-48263346-A-G.
Identifiers: ClinVar variation 1592574 (VCV001592574.12), dbSNP rs745797859, ClinGen allele CA8644262.

ClinVar aggregate classification (germline): Likely benign. Review status: criteria provided, multiple submitters, no conflicts (2 of 4 stars). 3 submissions from 3 submitters: Likely benign (2). 1 of the submissions does not count toward it. Last evaluated 2026-02-02.

Conditions:
Cardiovascular phenotype. Identifiers: MedGen CN230736.
Osteogenesis imperfecta type I (OI1). Also called: OI, TYPE I; OSTEOGENESIS IMPERFECTA TARDA; OSTEOGENESIS IMPERFECTA WITH BLUE SCLERAE; Osteogenesis imperfecta type 1; Lobstein's Disease; Lobstein disease. Identifiers: Orphanet 216796, Orphanet 666, MedGen C0023931, MONDO:0008146, OMIM 166200. Disease mechanism: loss of function.
COL1A1-related disorder. Also called: COL1A1- related disease; COL1A1-related condition.

Allele frequency attached by ClinVar (database versions not stated): gnomAD 0.00001 and 0.00002; gnomAD exomes 0.00001; ExAC 0.00002; TOPMed 0.00006.
gnomAD v4.1: 11 of 1,613,406 alleles (0.00068%); highest among the groups gnomAD compares: African/African-American, 0.011%; no homozygotes.

Submissions (3):

Labcorp Genetics (formerly Invitae), Labcorp
Classification: Likely benign for Osteogenesis imperfecta type I. Last evaluated: 2026-02-02. Review status: criteria provided, single submitter. Criteria: Invitae Variant Classification Sherloc (09022015). Collection method: clinical testing. Allele origin: germline.

Ambry Genetics
Classification: Likely benign for Cardiovascular phenotype. Last evaluated: 2022-09-13. Review status: criteria provided, single submitter. Criteria: Ambry Variant Classification Scheme 2023. Collection method: clinical testing. Allele origin: germline.

PreventionGenetics, part of Exact Sciences
Classification: Likely benign for COL1A1-related condition. Last evaluated: 2022-03-03. Review status: no assertion criteria provided. Collection method: clinical testing. Allele origin: germline. Not counted in ClinVar's aggregate classification.
Comment: This variant is classified as likely benign based on ACMG/AMP sequence variant interpretation guidelines (Richards et al. 2015 PMID: 25741868, with internal and published modifications).